The following is an entry in ClinVar:

ClinVar aggregate classification (germline): Uncertain significance (1 of 4 stars; one submission).

Submission:

Labcorp Genetics (formerly Invitae), Labcorp
Classification: Uncertain significance. Last evaluated: 2024-10-17. Review status: criteria provided, single submitter. Criteria: Invitae Variant Classification Sherloc (09022015). Collection method: clinical testing. Allele origin: germline.
Comment: This variant, c.46_49delinsGACC, is a complex sequence change that results in the deletion of 2 and insertion of 2 amino acid(s) in the RELB protein (p.Arg16_Ala17delinsAspPro). Information on the frequency of this variant in the gnomAD database is not available, as this variant may be reported differently in the database. This variant has not been reported in the literature in individuals affected with RELB-related conditions. Experimental studies and prediction algorithms are not available or were not evaluated, and the functional significance of this variant is currently unknown. In summary, the available evidence is currently insufficient to determine the role of this variant in disease. Therefore, it has been classified as a Variant of Uncertain Significance.

NM_006509.4(RELB):c.46_49delinsGACC (p.Arg16_Ala17delinsAspPro)

Genes: RELB (RELB proto-oncogene, NF-kB subunit; plus strand), LOC130064661 (ATAC-STARR-seq lymphoblastoid silent region 10746; plus strand). Cytogenetic location: 19q13.32.
Variant type: Indel.
Coding change: c.46_49delinsGACC on transcript NM_006509.4 (MANE Select); coding-DNA positions 46 to 49, CGGG replaced by GACC.
Protein change: p.Arg16_Ala17delinsAspPro.
Molecular consequence: missense variant.
Genome position (GRCh38, 1-based): chr19:45,001,625-45,001,628, CGGG replaced by GACC. VCF-style: chr19-45001625-CGGG-GACC. GRCh37 (hg19) VCF-style: chr19-45504883-CGGG-GACC.
Other names: c.46_49delinsGACC, p.Arg16_Ala17delinsAspPro (NM_001411087.1).
Identifiers: ClinVar variation 3723116 (VCV003723116.2).